The following is an entry in ClinVar:

ClinVar aggregate classification (germline): Likely benign. Review status: criteria provided, multiple submitters, no conflicts (2 of 4 stars). 4 submissions from 4 submitters: Likely benign (4). Last evaluated 2026-08-01.

Conditions:
SETBP1-related disorder. Also called: SETBP1-related condition; SETBP1-related disorders.

Allele frequency attached by ClinVar (database versions not stated): TOPMed 0.00006; ESP Exome Variant Server 0.00008.
gnomAD v4.1: 181 of 1,614,162 alleles (0.011%); highest among the groups gnomAD compares: Admixed American, 0.017%; no homozygotes.

Submissions (4):

CeGaT Center for Human Genetics Tuebingen
Classification: Likely benign. Last evaluated: 2026-08-01. Review status: criteria provided, single submitter. Criteria: CeGaT Center For Human Genetics Tuebingen Variant Classification Criteria Version 2. Collection method: clinical testing. Allele origin: germline. Affected: yes. Observed: 1 variant allele.
Comment: SETBP1: BP4, BP7

Labcorp Genetics (formerly Invitae), Labcorp
Classification: Likely benign. Last evaluated: 2026-01-28. Review status: criteria provided, single submitter. Criteria: Invitae Variant Classification Sherloc (09022015). Collection method: clinical testing. Allele origin: germline.

PreventionGenetics, part of Exact Sciences
Classification: Likely benign for SETBP1-related condition. Last evaluated: 2025-11-25. Review status: criteria provided, single submitter. Criteria: ACMG Guidelines, 2015. Collection method: clinical testing. Allele origin: germline.
Comment: This variant is classified as likely benign based on ACMG/AMP sequence variant interpretation guidelines (Richards et al. 2015 PMID: 25741868, with internal and published modifications).

Blueprint Genetics
Classification: Likely benign. Last evaluated: 2024-09-07. Review status: criteria provided, single submitter. Criteria: ACMG Guidelines, 2015. Collection method: clinical testing. Allele origin: germline.

NM_015559.3(SETBP1):c.3561C>T (p.Ser1187=)

Gene: SETBP1 (SET binding protein 1; plus strand). Cytogenetic location: 18q12.3.
Variant type: single nucleotide variant.
Coding change: c.3561C>T on transcript NM_015559.3 (MANE Select); coding-DNA position 3561, C replaced by T.
Protein change: p.Ser1187=; no amino-acid change (serine 1187 retained).
Molecular consequence: synonymous variant.
Genome position (GRCh38, 1-based): chr18:44,952,901, C>T. VCF-style: chr18-44952901-C-T. GRCh37 (hg19) VCF-style: chr18-42532866-C-T.
Other names: c.3561C>T, p.Ser1187= (LRG_1150t1).
Identifiers: ClinVar variation 1667960 (VCV001667960.11), dbSNP rs138530624, ClinGen allele CA8945928.